The following is an entry in ClinVar:

ClinVar aggregate classification (germline): Uncertain significance (1 of 4 stars; one submission).

gnomAD v4.1: 2 of 1,614,108 alleles (0.00012%); highest among the groups gnomAD compares: Non-Finnish European, 0.000085%; no homozygotes.

Submission:

Labcorp Genetics (formerly Invitae), Labcorp
Classification: Uncertain significance. Last evaluated: 2022-04-25. Review status: criteria provided, single submitter. Criteria: Invitae Variant Classification Sherloc (09022015). Collection method: clinical testing. Allele origin: germline.
Comment: In summary, the available evidence is currently insufficient to determine the role of this variant in disease. Therefore, it has been classified as a Variant of Uncertain Significance. Algorithms developed to predict the effect of missense changes on protein structure and function are either unavailable or do not agree on the potential impact of this missense change (SIFT: "Tolerated"; PolyPhen-2: "Possibly Damaging"; Align-GVGD: "Class C0"). This variant has not been reported in the literature in individuals affected with NSMCE3-related conditions. This variant is not present in population databases (gnomAD no frequency). This sequence change replaces glutamic acid, which is acidic and polar, with aspartic acid, which is acidic and polar, at codon 195 of the NSMCE3 protein (p.Glu195Asp).

NM_138704.4(NSMCE3):c.585A>T (p.Glu195Asp)

Genes: ENTREP2 (endosomal transmembrane epsin interactor 2; minus strand), NSMCE3 (NSE3 component of SMC5/6 complex; minus strand). Cytogenetic location: 15q13.1.
Variant type: single nucleotide variant.
Coding change: c.585A>T on transcript NM_138704.4 (MANE Select); coding-DNA position 585, A replaced by T.
Protein change: p.Glu195Asp; replaces glutamic acid 195 with aspartic acid.
Molecular consequence: missense variant. On other transcripts: intron variant (5).
Genome position (GRCh38, 1-based): chr15:29,269,121, T>A on the plus strand (A>T on the coding strand, the complement: NSMCE3 is on the minus strand). VCF-style: chr15-29269121-T-A. GRCh37 (hg19) VCF-style: chr15-29561325-T-A.
Other names: c.-12-16643A>T (NM_001387217.1, NM_001387215.1, NM_001387216.1); c.277-16643A>T (NM_001387214.1, NM_015307.2); short protein forms E195D.
Identifiers: ClinVar variation 1383097 (VCV001383097.6), dbSNP rs755743942, ClinGen allele CA391483930.